The following is an entry in ClinVar:

ClinVar aggregate classification (germline): Conflicting classifications of pathogenicity. Review status: criteria provided, conflicting classifications (1 of 4 stars). 6 submissions from 6 submitters: Uncertain significance (3); Benign (1); Likely benign (2). Last evaluated 2026-01-05.

Conditions:
KMT2D-related disorder. Also called: KMT2D-Related Disorders.
Inborn genetic diseases. Identifiers: MedGen C0950123, MeSH D030342.
Kabuki syndrome. Also called: Kabuki make-up syndrome; NIIKAWA-KUROKI SYNDROME. Identifiers: Orphanet 2322, MedGen C0796004, MONDO:0016512.

Allele frequency attached by ClinVar (database versions not stated): gnomAD exomes 0.00001 and 0.00002; gnomAD 0.00002; TOPMed 0.00002.
gnomAD v4.1: 32 of 1,551,146 alleles (0.0021%); highest among the groups gnomAD compares: Middle Eastern, 0.017%; no homozygotes.

Submissions (6):

Ambry Genetics
Classification: Likely benign for Inborn genetic diseases. Last evaluated: 2026-01-05. Review status: criteria provided, single submitter. Criteria: Ambry Variant Classification Scheme 2023. Collection method: clinical testing. Allele origin: germline.

Labcorp Genetics (formerly Invitae), Labcorp
Classification: Benign for Kabuki syndrome. Last evaluated: 2025-11-04. Review status: criteria provided, single submitter. Criteria: Invitae Variant Classification Sherloc (09022015). Collection method: clinical testing. Allele origin: germline.

PreventionGenetics, part of Exact Sciences
Classification: Uncertain significance for KMT2D-related condition. Last evaluated: 2025-07-29. Review status: criteria provided, single submitter. Criteria: ACMG Guidelines, 2015. Collection method: clinical testing. Allele origin: germline.
Comment: The KMT2D c.11641A>G variant is predicted to result in the amino acid substitution p.Met3881Val. To our knowledge, this variant has not been reported in the literature. This variant is reported in 0.0040% of alleles in individuals of European (Non-Finnish) descent in gnomAD. Although we suspect that this variant may be benign, at this time, the clinical significance of this variant is uncertain due to the absence of conclusive functional and genetic evidence.

CeGaT Center for Human Genetics Tuebingen
Classification: Likely benign. Last evaluated: 2023-07-01. Review status: criteria provided, single submitter. Criteria: CeGaT Center For Human Genetics Tuebingen Variant Classification Criteria Version 2. Collection method: clinical testing. Allele origin: germline. Affected: yes. Observed: 1 variant allele.
Comment: KMT2D: BP4

Genetic Services Laboratory, University of Chicago
Classification: Uncertain significance. Last evaluated: 2014-07-15. Review status: criteria provided, single submitter. Criteria: ACMG Guidelines, 2015. Collection method: clinical testing. Allele origin: germline.

Breakthrough Genomics
Classification: Uncertain significance. Review status: criteria provided, single submitter. Criteria: ACMG Guidelines, 2015. Collection method: not provided. Allele origin: germline. Inheritance: Autosomal dominant inheritance. Affected: yes.

NM_003482.4(KMT2D):c.11641A>G (p.Met3881Val)

Gene: KMT2D (lysine methyltransferase 2D; minus strand). Cytogenetic location: 12q13.12.
Variant type: single nucleotide variant.
Coding change: c.11641A>G on transcript NM_003482.4 (MANE Select); coding-DNA position 11641, A replaced by G.
Protein change: p.Met3881Val; replaces methionine 3881 with valine.
Molecular consequence: missense variant.
Genome position (GRCh38, 1-based): chr12:49,033,064, T>C on the plus strand (A>G on the coding strand, the complement: KMT2D is on the minus strand). VCF-style: chr12-49033064-T-C. GRCh37 (hg19) VCF-style: chr12-49426847-T-C.
Other names: short protein forms M3881V.
Identifiers: ClinVar variation 211316 (VCV000211316.39), dbSNP rs797045657, ClinGen allele CA206526.
Genomic context (GRCh38, chr12:49,033,064, plus strand): 5'-GAAGCTGCTGTAAAGAGCCCATGGGCTGAGCGCTCAGTTTGGGCTGCCCACTGTGTGACA[T>C]CAGACTCTGCTGAAGATGGGACAGCCCTGCCATGGACCCTTGCTGTTGGTGCTGTTGTTG-3'
Protein context (NP_003473.3, residues 3871-3891): AGLSHLQQSL[Met3881Val]SHSGQPKLSA